The following is an entry in ClinVar:

ClinVar aggregate classification (germline): Pathogenic. Review status: criteria provided, single submitter (1 of 4 stars). 2 submissions from 2 submitters: Pathogenic (1). 1 of the submissions does not count toward it. Last evaluated 2026-02-27.

Conditions:
PDE6C-related disorder. Also called: PDE6C-related condition.
Achromatopsia 5 (ACHM5). Identifiers: MedGen C2751309, MONDO:0800196.

Allele frequency attached by ClinVar (database versions not stated): gnomAD exomes below 0.00001 and 0.00001; ExAC 0.00001; gnomAD 0.00002; TOPMed 0.00002.
gnomAD v4.1: 11 of 1,613,796 alleles (0.00068%); highest among the groups gnomAD compares: African/African-American, 0.004%; no homozygotes.

Submissions (2):

PreventionGenetics, part of Exact Sciences
Classification: Pathogenic for PDE6C-related condition. Last evaluated: 2026-02-27. Review status: criteria provided, single submitter. Criteria: ACMG Guidelines, 2015. Collection method: clinical testing. Allele origin: germline.
Comment: The PDE6C c.826C>T variant is predicted to result in premature protein termination (p.Arg276*). This variant has been reported in the compound heterozygous state in an individual with achromatopsia (Chang et al. 2009. PubMed ID: 19887631). This variant is reported in 0.0062% of alleles in individuals of African descent in gnomAD. Nonsense variants in PDE6C are expected to be pathogenic. This variant is interpreted as pathogenic.

OMIM
Classification: Pathogenic for ACHROMATOPSIA 5. Last evaluated: 2009-11-17. Review status: no assertion criteria provided. Collection method: literature only. Allele origin: germline. Not counted in ClinVar's aggregate classification.

Literature cited by the submitters: PubMed 19887631 (cited by OMIM).

NM_006204.4(PDE6C):c.826C>T (p.Arg276Ter)

Gene: PDE6C (phosphodiesterase 6C; plus strand). Cytogenetic location: 10q23.33.
Variant type: single nucleotide variant.
Coding change: c.826C>T on transcript NM_006204.4 (MANE Select); coding-DNA position 826, C replaced by T.
Protein change: p.Arg276Ter; replaces arginine 276 with a stop codon.
Molecular consequence: nonsense.
Genome position (GRCh38, 1-based): chr10:93,622,034, C>T. VCF-style: chr10-93622034-C-T. GRCh37 (hg19) VCF-style: chr10-95381791-C-T.
Other names: c.826C>T (NM_006204.3); short protein forms R276*.
Identifiers: ClinVar variation 8773 (VCV000008773.2), dbSNP rs267606937, ClinGen allele CA119907.
Genomic context (GRCh38, chr10:93,622,034, plus strand): 5'-GATGTTGAGCGACAGTTTCACAAAGCGCTCTACACGGTTAGATCATATCTGAACTGTGAA[C>T]GATACTCCATTGGACTGCTGGACATGACCAAGGAGAAGGTTCTTATTATTCTACACATTT-3'